The following is an entry in ClinVar:

NM_173628.4(DNAH17):c.3944A>C (p.Lys1315Thr)

Gene: DNAH17 (dynein axonemal heavy chain 17; minus strand). Cytogenetic location: 17q25.3.
Variant type: single nucleotide variant.
Coding change: c.3944A>C on transcript NM_173628.4 (MANE Select); coding-DNA position 3944, A replaced by C.
Protein change: p.Lys1315Thr; replaces lysine 1315 with threonine.
Molecular consequence: missense variant.
Genome position (GRCh38, 1-based): chr17:78,514,943, T>G on the plus strand (A>C on the coding strand, the complement: DNAH17 is on the minus strand). VCF-style: chr17-78514943-T-G. GRCh37 (hg19) VCF-style: chr17-76511025-T-G.
Other names: short protein forms K1315T.
Identifiers: ClinVar variation 2579402 (VCV002579402.1), dbSNP rs2511517251, ClinGen allele CA401276905.

ClinVar aggregate classification (germline): Uncertain significance (1 of 4 stars; one submission).

Submission:

GeneDx
Classification: Uncertain significance. Last evaluated: 2023-03-03. Review status: criteria provided, single submitter. Criteria: GeneDx Variant Classification Process June 2021. Collection method: clinical testing. Allele origin: germline. Affected: yes.
Comment: Not observed at significant frequency in large population cohorts (gnomAD); In silico analysis supports that this missense variant has a deleterious effect on protein structure/function; Has not been previously published as pathogenic or benign to our knowledge